The following is an entry in ClinVar:

NM_000287.4(PEX6):c.2434C>T (p.Arg812Trp)

Gene: PEX6 (peroxisomal biogenesis factor 6; minus strand). Cytogenetic location: 6p21.1.
Variant type: single nucleotide variant.
Coding change: c.2434C>T on transcript NM_000287.4 (MANE Select); coding-DNA position 2434, C replaced by T.
Protein change: p.Arg812Trp; replaces arginine 812 with tryptophan.
Molecular consequence: missense variant. On other transcripts: non-coding transcript variant (1).
Genome position (GRCh38, 1-based): chr6:42,965,718, G>A on the plus strand (C>T on the coding strand, the complement: PEX6 is on the minus strand). VCF-style: chr6-42965718-G-A. GRCh37 (hg19) VCF-style: chr6-42933456-G-A.
Other names: c.2170C>T, p.Arg724Trp (NM_001316313.2); c.2434C>T (NM_000287.3); short protein forms R724W, R812W.
Identifiers: ClinVar variation 1052137 (VCV001052137.10), dbSNP rs61753228, ClinGen allele CA138222397.

ClinVar aggregate classification (germline): Conflicting classifications of pathogenicity. Review status: criteria provided, conflicting classifications (1 of 4 stars). 2 submissions from 2 submitters: Likely pathogenic (1); Uncertain significance (1). Last evaluated 2025-05-12.

Conditions:
Peroxisome biogenesis disorder. Identifiers: Orphanet 79189, MedGen C1832200, MONDO:0019234. Disease mechanism: loss of function.

Allele frequency attached by ClinVar (database versions not stated): gnomAD exomes below 0.00001; TOPMed 0.00001.

Submissions (2):

GeneDx
Classification: Likely pathogenic. Last evaluated: 2025-05-12. Review status: criteria provided, single submitter. Criteria: GeneDx Variant Classification Process June 2021. Collection method: clinical testing. Allele origin: germline. Affected: yes.
Comment: Published functional studies found this variant is unable to rescue peroxisome formation in PEX6 deficient cells (PMID: 10408779); Not observed at significant frequency in large population cohorts (gnomAD); In silico analysis supports that this missense variant has a deleterious effect on protein structure/function; This variant is associated with the following publications: (PMID: 31374812, 10408779, 10527683, 19877282, 15542397, 19142205)

Labcorp Genetics (formerly Invitae), Labcorp
Classification: Uncertain significance for Peroxisome biogenesis disorder. Last evaluated: 2022-05-28. Review status: criteria provided, single submitter. Criteria: Invitae Variant Classification Sherloc (09022015). Collection method: clinical testing. Allele origin: germline.
Comment: This sequence change replaces arginine, which is basic and polar, with tryptophan, which is neutral and slightly polar, at codon 812 of the PEX6 protein (p.Arg812Trp). This variant is not present in population databases (gnomAD no frequency). This missense change has been observed in individual(s) with Zellweger syndrome (PMID: 10408779, 19142205, 19877282). ClinVar contains an entry for this variant (Variation ID: 1052137). Algorithms developed to predict the effect of missense changes on protein structure and function (SIFT, PolyPhen-2, Align-GVGD) all suggest that this variant is likely to be disruptive. Experimental studies have shown that this missense change affects PEX6 function (PMID: 10408779). This variant disrupts the p.Arg812 amino acid residue in PEX6. Other variant(s) that disrupt this residue have been observed in individuals with PEX6-related conditions (PMID: 10408779, 19877282), which suggests that this may be a clinically significant amino acid residue. In summary, the available evidence is currently insufficient to determine the role of this variant in disease. Therefore, it has been classified as a Variant of Uncertain Significance.

Literature cited by the submitters: PubMed 10408779 (cited by Labcorp Genetics (formerly Invitae), Labcorp); PubMed 19142205 (cited by Labcorp Genetics (formerly Invitae), Labcorp); PubMed 19877282 (cited by Labcorp Genetics (formerly Invitae), Labcorp).